The following is an entry in ClinVar:

ClinVar aggregate classification (germline): Uncertain significance. Review status: criteria provided, multiple submitters, no conflicts (2 of 4 stars). 2 submissions from 2 submitters: Uncertain significance (2). Last evaluated 2021-10-10.

Conditions:
DICER1-related tumor predisposition. Also called: DICER1-related pleuropulmonary blastoma cancer predisposition syndrome; DICER1 syndrome. Identifiers: Orphanet 284343, MedGen C3839822, MONDO:0100216.
Hereditary cancer-predisposing syndrome. Also called: Neoplastic Syndromes, Hereditary; Hereditary Cancer Syndrome; Hereditary neoplastic syndrome; Tumor predisposition. Identifiers: Orphanet 140162, MedGen C0027672, MeSH D009386, MONDO:0015356.

Submissions (2):

Labcorp Genetics (formerly Invitae), Labcorp
Classification: Uncertain significance for DICER1-related tumor predisposition. Last evaluated: 2021-10-10. Review status: criteria provided, single submitter. Criteria: Invitae Variant Classification Sherloc (09022015). Collection method: clinical testing. Allele origin: germline.
Comment: ClinVar contains an entry for this variant (Variation ID: 827205). In summary, the available evidence is currently insufficient to determine the role of this variant in disease. Therefore, it has been classified as a Variant of Uncertain Significance. Algorithms developed to predict the effect of missense changes on protein structure and function (SIFT, PolyPhen-2, Align-GVGD) all suggest that this variant is likely to be disruptive. This variant has not been reported in the literature in individuals affected with DICER1-related conditions. This variant is not present in population databases (ExAC no frequency). This sequence change replaces cysteine with arginine at codon 257 of the DICER1 protein (p.Cys257Arg). The cysteine residue is highly conserved and there is a large physicochemical difference between cysteine and arginine.

Ambry Genetics
Classification: Uncertain significance for Hereditary cancer-predisposing syndrome. Last evaluated: 2019-10-30. Review status: criteria provided, single submitter. Criteria: Ambry Variant Classification Scheme 2023. Collection method: clinical testing. Allele origin: germline.
Comment: The p.C257R variant (also known as c.769T>C), located in coding exon 6 of the DICER1 gene, results from a T to C substitution at nucleotide position 769. The cysteine at codon 257 is replaced by arginine, an amino acid with highly dissimilar properties. This amino acid position is highly conserved in available vertebrate species. In addition, this alteration is predicted to be deleterious by in silico analysis. Since supporting evidence is limited at this time, the clinical significance of this alteration remains unclear.

NM_177438.3(DICER1):c.769T>C (p.Cys257Arg)

Gene: DICER1 (dicer 1, ribonuclease III; minus strand). Cytogenetic location: 14q32.13.
Variant type: single nucleotide variant.
Coding change: c.769T>C on transcript NM_177438.3 (MANE Select); coding-DNA position 769, T replaced by C.
Protein change: p.Cys257Arg; replaces cysteine 257 with arginine.
Molecular consequence: missense variant.
Genome position (GRCh38, 1-based): chr14:95,126,714, A>G on the plus strand (T>C on the coding strand, the complement: DICER1 is on the minus strand). VCF-style: chr14-95126714-A-G. GRCh37 (hg19) VCF-style: chr14-95593051-A-G.
Other names: c.769T>C, p.Cys257Arg (NM_001195573.1, NM_001271282.3, NM_001291628.2 and 1 more transcripts); short protein forms C257R.
Identifiers: ClinVar variation 827205 (VCV000827205.11), dbSNP rs1595448239, ClinGen allele CA390887851.